The following is an entry in ClinVar:

ClinVar aggregate classification (germline): Uncertain significance. Review status: criteria provided, multiple submitters, no conflicts (2 of 4 stars). 2 submissions from 2 submitters: Uncertain significance (2). Last evaluated 2025-12-09.

Conditions:
Hereditary cancer-predisposing syndrome. Also called: Hereditary neoplastic syndrome; Neoplastic Syndromes, Hereditary; Tumor predisposition; Hereditary Cancer Syndrome. Identifiers: Orphanet 140162, MedGen C0027672, MeSH D009386, MONDO:0015356.

Allele frequency attached by ClinVar (database versions not stated): gnomAD exomes below 0.00001; ExAC 0.00001.
gnomAD v4.1: 2 of 1,614,094 alleles (0.00012%); highest among the groups gnomAD compares: African/African-American, 0.0013%; no homozygotes.

Submissions (2):

Labcorp Genetics (formerly Invitae), Labcorp
Classification: Uncertain significance. Last evaluated: 2025-12-09. Review status: criteria provided, single submitter. Criteria: Invitae Variant Classification Sherloc (09022015). Collection method: clinical testing. Allele origin: germline.
Comment: This sequence change replaces threonine, which is neutral and polar, with alanine, which is neutral and non-polar, at codon 196 of the MSH3 protein (p.Thr196Ala). This variant is present in population databases (rs768793171, gnomAD 0.0009%). This variant has not been reported in the literature in individuals affected with MSH3-related conditions. ClinVar contains an entry for this variant (Variation ID: 835330). An algorithm developed to predict the effect of missense changes on protein structure and function outputs the following: PolyPhen-2: "Benign". The alanine amino acid residue is found in multiple mammalian species, which suggests that this missense change does not adversely affect protein function. In summary, the available evidence is currently insufficient to determine the role of this variant in disease. Therefore, it has been classified as a Variant of Uncertain Significance.

Ambry Genetics
Classification: Uncertain significance for Hereditary cancer-predisposing syndrome. Last evaluated: 2024-03-10. Review status: criteria provided, single submitter. Criteria: Ambry Variant Classification Scheme 2023. Collection method: clinical testing. Allele origin: germline.
Comment: The p.T196A variant (also known as c.586A>G), located in coding exon 4 of the MSH3 gene, results from an A to G substitution at nucleotide position 586. The threonine at codon 196 is replaced by alanine, an amino acid with similar properties. This amino acid position is conserved. In addition, this alteration is predicted to be tolerated by in silico analysis. Since supporting evidence is limited at this time, the clinical significance of this alteration remains unclear.

NM_002439.5(MSH3):c.586A>G (p.Thr196Ala)

Gene: MSH3 (mutS homolog 3; plus strand). Cytogenetic location: 5q14.1.
Variant type: single nucleotide variant.
Coding change: c.586A>G on transcript NM_002439.5 (MANE Select); coding-DNA position 586, A replaced by G.
Protein change: p.Thr196Ala; replaces threonine 196 with alanine.
Molecular consequence: missense variant.
Genome position (GRCh38, 1-based): chr5:80,670,103, A>G. VCF-style: chr5-80670103-A-G. GRCh37 (hg19) VCF-style: chr5-79965922-A-G.
Other names: short protein forms T196A.
Identifiers: ClinVar variation 835330 (VCV000835330.10), dbSNP rs768793171, ClinGen allele CA3327649.
Genomic context (GRCh38, chr5:80,670,103, plus strand): 5'-AACTTATTATTGTGGTTAATATTTTTAAAACTTTATACATCTTTTGGTTGCCAGGACACA[A>G]CACTTTTTGATCTCAGTCAGTTTGGATCATCAAATACAAGTCATGAAAATTTACAGAAAA-3'
Protein context (NP_002430.3, residues 186-206): SKRQINQKDT[Thr196Ala]LFDLSQFGSS